The following is an entry in ClinVar:

ClinVar aggregate classification (germline): Uncertain significance. Review status: criteria provided, multiple submitters, no conflicts (2 of 4 stars). 2 submissions from 2 submitters: Uncertain significance (2). Last evaluated 2026-07-10.

Conditions:
PPM1F-related condition.

gnomAD v4.1: 91 of 1,613,712 alleles (0.0056%); highest among the groups gnomAD compares: South Asian, 0.058%; 1 homozygote.

Submissions (2):

PreventionGenetics, part of Exact Sciences
Classification: Uncertain significance for PPM1F-related condition. Last evaluated: 2026-07-10. Review status: criteria provided, single submitter. Criteria: ACMG Guidelines, 2015. Collection method: clinical testing. Allele origin: germline.
Comment: The PPM1F c.1046C>T variant is predicted to result in the amino acid substitution p.Thr349Met. To our knowledge, this variant has not been reported in the literature. This variant is reported in 0.056% of alleles in individuals of South Asian descent in gnomAD. At this time, the clinical significance of this variant is uncertain due to the absence of conclusive functional and genetic evidence.

Ambry Genetics
Classification: Uncertain significance. Last evaluated: 2024-04-09. Review status: criteria provided, single submitter. Criteria: Ambry Variant Classification Scheme 2023. Collection method: clinical testing. Allele origin: germline.

NM_014634.4(PPM1F):c.1046C>T (p.Thr349Met)

Gene: PPM1F (protein phosphatase, Mg2+/Mn2+ dependent 1F; minus strand). Cytogenetic location: 22q11.22.
Variant type: single nucleotide variant.
Coding change: c.1046C>T on transcript NM_014634.4 (MANE Select); coding-DNA position 1046, C replaced by T.
Protein change: p.Thr349Met; replaces threonine 349 with methionine.
Molecular consequence: missense variant.
Genome position (GRCh38, 1-based): chr22:21,923,411, G>A on the plus strand (C>T on the coding strand, the complement: PPM1F is on the minus strand). VCF-style: chr22-21923411-G-A. GRCh37 (hg19) VCF-style: chr22-22277784-G-A.
Other names: c.542C>T, p.Thr181Met (NM_001410836.1); short protein forms T181M, T349M.
Identifiers: ClinVar variation 3309272 (VCV003309272.2).